The following is an entry in ClinVar:

NM_001130823.3(DNMT1):c.4396A>C (p.Thr1466Pro)

Gene: DNMT1 (DNA methyltransferase 1; minus strand). Cytogenetic location: 19p13.2.
Variant type: single nucleotide variant.
Coding change: c.4396A>C on transcript NM_001130823.3 (MANE Select); coding-DNA position 4396, A replaced by C.
Protein change: p.Thr1466Pro; replaces threonine 1466 with proline.
Molecular consequence: missense variant.
Genome position (GRCh38, 1-based): chr19:10,137,178, T>G on the plus strand (A>C on the coding strand, the complement: DNMT1 is on the minus strand). VCF-style: chr19-10137178-T-G. GRCh37 (hg19) VCF-style: chr19-10247854-T-G.
Other names: c.4348A>C, p.Thr1450Pro (NM_001318730.2, NM_001379.4); c.4033A>C, p.Thr1345Pro (NM_001318731.2); short protein forms T1345P, T1450P, T1466P.
Identifiers: ClinVar variation 4686447 (VCV004686447.1).
Genomic context (GRCh38, chr19:10,137,178, plus strand): 5'-CAGAGCTGCTGCGGCCGTTCTTCCTGTCATGGTGGGTATACCGCAGCTTCCTGGCCATGG[T>G]GCCGTCTGAGAGCCGCACCTCGATGTTGGGCAGATCGCGCCAGTCTGACCCTGGGGCCAA-3'
Protein context (NP_001124295.1, residues 1456-1476): PNIEVRLSDG[Thr1466Pro]MARKLRYTHH

ClinVar aggregate classification (germline): Uncertain significance (1 of 4 stars; one submission).

Submission:

GeneDx
Classification: Uncertain significance. Last evaluated: 2025-07-15. Review status: criteria provided, single submitter. Criteria: GeneDx Variant Classification Process June 2021. Collection method: clinical testing. Allele origin: germline. Affected: yes.
Comment: Not observed at significant frequency in large population cohorts (gnomAD); In silico analysis supports that this missense variant has a deleterious effect on protein structure/function; Has not been previously published as pathogenic or benign to our knowledge